The following is an entry in ClinVar:

NM_001369.3(DNAH5):c.10226G>C (p.Trp3409Ser)

Gene: DNAH5 (dynein axonemal heavy chain 5; minus strand). Cytogenetic location: 5p15.2.
Variant type: single nucleotide variant.
Coding change: c.10226G>C on transcript NM_001369.3 (MANE Select); coding-DNA position 10226, G replaced by C.
Protein change: p.Trp3409Ser; replaces tryptophan 3409 with serine.
Molecular consequence: missense variant.
Genome position (GRCh38, 1-based): chr5:13,762,777, C>G on the plus strand (G>C on the coding strand, the complement: DNAH5 is on the minus strand). VCF-style: chr5-13762777-C-G. GRCh37 (hg19) VCF-style: chr5-13762886-C-G.
Other names: short protein forms W3409S.
Identifiers: ClinVar variation 238952 (VCV000238952.17), dbSNP rs755407407, ClinGen allele CA3202307.
Genomic context (GRCh38, chr5:13,762,777, plus strand): 5'-CTTACCTTCAGAGGCAGTACTTCTTTGTTTATAGAAAAGAAGGAAGCCATAGCTTTCGTC[C>G]AGGAACAAAGACCAGCTACATTTCCACATACGCGTTTAGCAGTTTCGATGTTATAGTCAG-3'
Protein context (NP_001360.1, residues 3399-3419): VCGNVAGLCS[Trp3409Ser]TKAMASFFSI

ClinVar aggregate classification (germline): Conflicting classifications of pathogenicity. Review status: criteria provided, conflicting classifications (1 of 4 stars). 3 submissions from 3 submitters: Pathogenic (1); Likely pathogenic (1); Uncertain significance (1). Last evaluated 2025-11-19.

Conditions:
Primary ciliary dyskinesia. Also called: Ciliary dyskinesia. Identifiers: Orphanet 244, MedGen C0008780, MONDO:0016575, HP:0012265.
Primary ciliary dyskinesia 3. Identifiers: Orphanet 244, MedGen C1837618, MONDO:0012085, OMIM 608644.

Allele frequency attached by ClinVar (database versions not stated): ExAC 0.00001; gnomAD 0.00001; gnomAD exomes 0.00001 and 0.00002; TOPMed 0.00002.
gnomAD v4.1: 25 of 1,614,048 alleles (0.0015%); highest among the groups gnomAD compares: Non-Finnish European, 0.002%; no homozygotes.

Submissions (3):

Myriad Genetics, Inc.
Classification: Uncertain significance for Primary ciliary dyskinesia 3. Last evaluated: 2025-11-19. Review status: criteria provided, single submitter. Criteria: Myriad Autosomal Dominant, Autosomal Recessive and X-Linked Classification Criteria (2023). Collection method: clinical testing. Allele origin: unknown.
Comment: NM_001369.2(DNAH5):c.10226G>C(W3409S) is a missense variant classified as a variant of uncertain significance in the context of primary ciliary dyskinesia, DNAH5-related. W3409S has been observed in cases with relevant disease (PMID: 16627867, 32522973). Relevant functional assessments of this variant are not available in the literature. W3409S has been observed in referenced population frequency databases. In summary, there is insufficient evidence to classify NM_001369.2(DNAH5):c.10226G>C(W3409S) as pathogenic or benign. Please note: this variant was assessed in the context of healthy population screening.

Ambry Genetics
Classification: Likely pathogenic for Primary ciliary dyskinesia. Last evaluated: 2025-06-13. Review status: criteria provided, single submitter. Criteria: Ambry Variant Classification Scheme 2023. Collection method: clinical testing. Allele origin: germline.
Comment: The c.10226G>C (p.W3409S) alteration is located in coding exon 60 of the DNAH5 gene. This alteration results from a G to C substitution at nucleotide position 10226, causing the tryptophan (W) at amino acid position 3409 to be replaced by a serine (S). Based on data from gnomAD, the C allele has an overall frequency of 0.001% (2/251126) total alleles studied. The highest observed frequency was 0.002% (2/113460) of European (non-Finnish) alleles. This variant has been identified in the homozygous state and/or in conjunction with other DNAH5 variant(s) in individual(s) with features consistent with DNAH5-related primary ciliary dyskinesia; in at least one instance, the variants were identified in trans (Hornef, 2006; Primo, 2020; Ambry internal data). This amino acid position is highly conserved in available vertebrate species. The p.W3409S amino acid is located in in the microtubule binding site of a known functional domain in DNAH5 (Hornef, 2006). This alteration is predicted to be deleterious by in silico analysis. Based on the available evidence, this alteration is classified as likely pathogenic.

Labcorp Genetics (formerly Invitae), Labcorp
Classification: Pathogenic for Primary ciliary dyskinesia. Last evaluated: 2024-09-27. Review status: criteria provided, single submitter. Criteria: Invitae Variant Classification Sherloc (09022015). Collection method: clinical testing. Allele origin: germline.
Comment: This sequence change replaces tryptophan, which is neutral and slightly polar, with serine, which is neutral and polar, at codon 3409 of the DNAH5 protein (p.Trp3409Ser). This variant is present in population databases (rs755407407, gnomAD 0.002%). This missense change has been observed in individual(s) with primary ciliary dyskinesia (PMID: 16627867; internal data). In at least one individual the data is consistent with being in trans (on the opposite chromosome) from a pathogenic variant. ClinVar contains an entry for this variant (Variation ID: 238952). Invitae Evidence Modeling of protein sequence and biophysical properties (such as structural, functional, and spatial information, amino acid conservation, physicochemical variation, residue mobility, and thermodynamic stability) indicates that this missense variant is expected to disrupt DNAH5 protein function with a positive predictive value of 95%. For these reasons, this variant has been classified as Pathogenic.

Literature cited by the submitters: PubMed 16627867 (cited by 3 submitters); PubMed 32522973 (cited by Myriad Genetics, Inc. and Ambry Genetics).